The following is an entry in ClinVar:

ClinVar aggregate classification (germline): Likely benign. Review status: criteria provided, multiple submitters, no conflicts (2 of 4 stars). 4 submissions from 4 submitters: Likely benign (3). 1 of the submissions does not count toward it. Last evaluated 2026-05-14.

Conditions:
NF1-related disorder. Also called: NF1-related condition. Identifiers: MedGen CN379171.
Neurofibromatosis, familial spinal (FSNF). Identifiers: Orphanet 636, MedGen C1834235, MONDO:0008078, OMIM 162210. Disease mechanism: loss of function.
Juvenile myelomonocytic leukemia (JMML). Also called: LEUKEMIA, JUVENILE MYELOMONOCYTIC, SOMATIC. Identifiers: Orphanet 86834, MedGen C0349639, MONDO:0011908, OMIM 607785, HP:0012209.
Café-au-lait macules with pulmonary stenosis (WTSN). Also called: PULMONIC STENOSIS WITH CAFE-AU-LAIT SPOTS. Identifiers: MedGen C0553586, MONDO:0008672, OMIM 193520.
Neurofibromatosis, type 1 (NF1). Also called: Neurofibromatosis, type I; NEUROFIBROMATOSIS, TYPE I, SOMATIC; Peripheral type neurofibromatosis; VON RECKLINGHAUSEN DISEASE. Identifiers: Orphanet 636, MedGen C0027831, MONDO:0018975, OMIM 162200. Disease mechanism: loss of function.
Neurofibromatosis-Noonan syndrome (NFNS). Also called: NEUROFIBROMATOSIS WITH NOONAN PHENOTYPE. Identifiers: Orphanet 638, MedGen C2931482, MONDO:0011035, OMIM 601321. Disease mechanism: loss of function.

Allele frequency attached by ClinVar (database versions not stated): gnomAD 0.00002; TOPMed 0.00003.
gnomAD v4.1: 3 of 1,613,064 alleles (0.00019%); highest among the groups gnomAD compares: Admixed American, 0.005%; no homozygotes.

Submissions (4):

Myriad Genetics, Inc.
Classification: Likely benign for Neurofibromatosis, type 1. Last evaluated: 2026-05-14. Review status: criteria provided, single submitter. Criteria: Myriad Autosomal Dominant, Autosomal Recessive and X-Linked Classification Criteria (2023). Collection method: clinical testing. Allele origin: unknown.
Comment: This variant is considered likely benign. This variant is intronic and is not expected to impact mRNA splicing.

Labcorp Genetics (formerly Invitae), Labcorp
Classification: Likely benign for Neurofibromatosis, type 1. Last evaluated: 2026-01-10. Review status: criteria provided, single submitter. Criteria: Invitae Variant Classification Sherloc (09022015). Collection method: clinical testing. Allele origin: germline.

Fulgent Genetics
Classification: Likely benign for Neurofibromatosis, type 1; Neurofibromatosis, familial spinal; Café-au-lait macules with pulmonary stenosis; Neurofibromatosis-Noonan syndrome; Juvenile myelomonocytic leukemia. Last evaluated: 2022-04-20. Review status: criteria provided, single submitter. Criteria: ACMG Guidelines, 2015. Collection method: clinical testing. Allele origin: unknown.

PreventionGenetics, part of Exact Sciences
Classification: Likely benign for NF1-related condition. Last evaluated: 2021-07-20. Review status: no assertion criteria provided. Collection method: clinical testing. Allele origin: germline. Not counted in ClinVar's aggregate classification.
Comment: This variant is classified as likely benign based on ACMG/AMP sequence variant interpretation guidelines (Richards et al. 2015 PMID: 25741868, with internal and published modifications).

NM_001042492.3(NF1):c.8160+9A>C

Gene: NF1 (neurofibromin 1; plus strand). Cytogenetic location: 17q11.2.
Variant type: single nucleotide variant.
Coding change: c.8160+9A>C on transcript NM_001042492.3 (MANE Select); 9 bases into the intron after coding-DNA position 8160, A replaced by C.
Molecular consequence: intron variant.
Genome position (GRCh38, 1-based): chr17:31,359,024, A>C. VCF-style: chr17-31359024-A-C. GRCh37 (hg19) VCF-style: chr17-29686042-A-C.
Other names: c.8160+9A>C (NM_001042492.2); c.8097+9A>C (NM_000267.4).
Identifiers: ClinVar variation 527637 (VCV000527637.14), dbSNP rs997202389, ClinGen allele CA289711091.